The following is an entry in ClinVar:

NM_006904.7(PRKDC):c.937C>T (p.Leu313Phe)

Gene: PRKDC (protein kinase, DNA-activated, catalytic subunit; minus strand). Cytogenetic location: 8q11.21.
Variant type: single nucleotide variant.
Coding change: c.937C>T on transcript NM_006904.7 (MANE Select); coding-DNA position 937, C replaced by T.
Protein change: p.Leu313Phe; replaces leucine 313 with phenylalanine.
Molecular consequence: missense variant.
Genome position (GRCh38, 1-based): chr8:47,943,238, G>A on the plus strand (C>T on the coding strand, the complement: PRKDC is on the minus strand). VCF-style: chr8-47943238-G-A. GRCh37 (hg19) VCF-style: chr8-48855798-G-A.
Other names: c.937C>T, p.Leu313Phe (NM_001081640.2); short protein forms L313F.
Identifiers: ClinVar variation 3310110 (VCV003310110.1).

ClinVar aggregate classification (germline): Uncertain significance (1 of 4 stars; one submission).

gnomAD v4.1: 4 of 1,613,436 alleles (0.00025%); highest among the groups gnomAD compares: East Asian, 0.0067%; no homozygotes.

Submission:

Ambry Genetics
Classification: Uncertain significance. Last evaluated: 2024-04-07. Review status: criteria provided, single submitter. Criteria: Ambry Variant Classification Scheme 2023. Collection method: clinical testing. Allele origin: germline.
Comment: The p.L313F variant (also known as c.937C>T), located in coding exon 10 of the PRKDC gene, results from a C to T substitution at nucleotide position 937. The leucine at codon 313 is replaced by phenylalanine, an amino acid with highly similar properties. This amino acid position is conserved. In addition, this alteration is predicted to be tolerated by in silico analysis. Based on the available evidence, the clinical significance of this variant remains unclear.